The following is an entry in ClinVar:

ClinVar aggregate classification (germline): Likely benign (1 of 4 stars; one submission).

Conditions:
H19-related disorder. Also called: H19-related condition.

Submission:

PreventionGenetics, part of Exact Sciences
Classification: Likely benign for H19-related condition. Last evaluated: 2025-12-30. Review status: criteria provided, single submitter. Criteria: ACMG Guidelines, 2015. Collection method: clinical testing. Allele origin: germline.
Comment: This variant is classified as likely benign based on ACMG/AMP sequence variant interpretation guidelines (Richards et al. 2015 PMID: 25741868, with internal and published modifications).

NC_000011.10:g.2002163C>T

Genes: H19 (H19 imprinted maternally expressed transcript; minus strand), H19-ICR (H19/IGF2 imprinting control region; plus strand), MRPL23 (mitochondrial ribosomal protein L23; plus strand). Cytogenetic location: 11p15.5.
Variant type: single nucleotide variant.
Molecular consequence: intron variant (on NM_001400176.1).
Genome position: GRCh38 VCF-style: chr11-2002163-C-T. GRCh37 (hg19) VCF-style: chr11-2023393-C-T.
Other names: c.498-9378C>T (NM_001400176.1).
Identifiers: ClinVar variation 4985175 (VCV004985175.1).